The following is an entry in ClinVar:

NM_002439.5(MSH3):c.689C>G (p.Thr230Arg)

Gene: MSH3 (mutS homolog 3; plus strand). Cytogenetic location: 5q14.1.
Variant type: single nucleotide variant.
Coding change: c.689C>G on transcript NM_002439.5 (MANE Select); coding-DNA position 689, C replaced by G.
Protein change: p.Thr230Arg; replaces threonine 230 with arginine.
Molecular consequence: missense variant.
Genome position (GRCh38, 1-based): chr5:80,670,206, C>G. VCF-style: chr5-80670206-C-G. GRCh37 (hg19) VCF-style: chr5-79966025-C-G.
Other names: c.689C>G (NM_002439.3); short protein forms T230R.
Identifiers: ClinVar variation 1481657 (VCV001481657.12), dbSNP rs763873895, ClinGen allele CA360266774.

ClinVar aggregate classification (germline): Uncertain significance. Review status: criteria provided, multiple submitters, no conflicts (2 of 4 stars). 2 submissions from 2 submitters: Uncertain significance (2). Last evaluated 2026-04-15.

Conditions:
Hereditary cancer-predisposing syndrome. Also called: Tumor predisposition; Neoplastic Syndromes, Hereditary; Hereditary Cancer Syndrome; Hereditary neoplastic syndrome. Identifiers: Orphanet 140162, MedGen C0027672, MeSH D009386, MONDO:0015356.

gnomAD v4.1: 6 of 1,613,918 alleles (0.00037%); highest among the groups gnomAD compares: Non-Finnish European, 0.00051%; no homozygotes.

Submissions (2):

Ambry Genetics
Classification: Uncertain significance for Hereditary cancer-predisposing syndrome. Last evaluated: 2026-04-15. Review status: criteria provided, single submitter. Criteria: Ambry Variant Classification Scheme 2023. Collection method: clinical testing. Allele origin: germline.

Labcorp Genetics (formerly Invitae), Labcorp
Classification: Uncertain significance. Last evaluated: 2025-12-08. Review status: criteria provided, single submitter. Criteria: Invitae Variant Classification Sherloc (09022015). Collection method: clinical testing. Allele origin: germline.
Comment: This sequence change replaces threonine, which is neutral and polar, with arginine, which is basic and polar, at codon 230 of the MSH3 protein (p.Thr230Arg). This variant is not present in population databases (gnomAD no frequency). This variant has not been reported in the literature in individuals affected with MSH3-related conditions. ClinVar contains an entry for this variant (Variation ID: 1481657). An algorithm developed to predict the effect of missense changes on protein structure and function (PolyPhen-2) suggests that this variant is likely to be disruptive. In summary, the available evidence is currently insufficient to determine the role of this variant in disease. Therefore, it has been classified as a Variant of Uncertain Significance.